The following is an entry in ClinVar:

NM_002180.3(IGHMBP2):c.1670del (p.Pro557fs)

Gene: IGHMBP2 (immunoglobulin mu DNA binding protein 2; plus strand). Cytogenetic location: 11q13.3.
Variant type: Deletion.
Coding change: c.1670del on transcript NM_002180.3 (MANE Select); coding-DNA position 1670, one base deleted (C; older notation c.1670delC).
Protein change: p.Pro557fs; shifts the reading frame from proline 557.
Molecular consequence: frameshift variant.
Genome position (GRCh38, 1-based): chr11:68,935,336, C deleted; the last of 3 consecutive C bases (chr11:68,935,334-68,935,336); deleting any one gives the same sequence. VCF-style (leftmost placement, unchanged base first): chr11-68935333-AC-A. GRCh37 (hg19) VCF-style: chr11-68702801-AC-A.
Other names: short protein forms P557fs.
Identifiers: ClinVar variation 2952062 (VCV002952062.3), dbSNP rs2496065853, ClinGen allele CA2740093129.
Genomic context (GRCh38, chr11:68,935,333, plus strand): 5'-AAACCACAGCCCGGCTGGTGTTTCAGGTGGACCTGCTCAGACAGAGCCTTGTGCACAGGC[AC>A]CCTGAGCTTGAAATCAAGTCTGTCGATGGCTTCCAAGGCCGAGAGAAGGAGGCCGTGATA-3'

ClinVar aggregate classification (germline): Pathogenic (1 of 4 stars; one submission).

Conditions:
Charcot-Marie-Tooth disease axonal type 2S. Also called: CHARCOT-MARIE-TOOTH DISEASE, AXONAL, AUTOSOMAL RECESSIVE, TYPE 2S; CHARCOT-MARIE-TOOTH NEUROPATHY, TYPE 2S. Identifiers: Orphanet 443073, MedGen C4015349, MONDO:0014511, OMIM 616155.
Autosomal recessive distal spinal muscular atrophy 1. Also called: HMN VI; NEURONOPATHY, SEVERE INFANTILE AXONAL, WITH RESPIRATORY FAILURE; SEVERE INFANTILE AXONAL NEUROPATHY WITH RESPIRATORY FAILURE; SPINAL MUSCULAR ATROPHY, DIAPHRAGMATIC; Spinal muscular atrophy with respiratory distress 1; NEURONOPATHY, DISTAL HEREDITARY MOTOR, HARDING TYPE VI. Identifiers: Orphanet 98920, MedGen C1858517, MONDO:0011436, OMIM 604320.

Submission:

Labcorp Genetics (formerly Invitae), Labcorp
Classification: Pathogenic for Autosomal recessive distal spinal muscular atrophy 1; Charcot-Marie-Tooth disease axonal type 2S. Last evaluated: 2025-01-31. Review status: criteria provided, single submitter. Criteria: Invitae Variant Classification Sherloc (09022015). Collection method: clinical testing. Allele origin: germline.
Comment: This sequence change creates a premature translational stop signal (p.Pro557Leufs*19) in the IGHMBP2 gene. It is expected to result in an absent or disrupted protein product. Loss-of-function variants in IGHMBP2 are known to be pathogenic (PMID: 14681881, 25439726, 25568292). This variant is not present in population databases (gnomAD no frequency). This variant has not been reported in the literature in individuals affected with IGHMBP2-related conditions. ClinVar contains an entry for this variant (Variation ID: 2952062). For these reasons, this variant has been classified as Pathogenic.

Literature cited by the submitters: PubMed 14681881; PubMed 25439726; PubMed 25568292.